The following is an entry in ClinVar:

NM_000138.5(FBN1):c.2223C>G (p.Asn741Lys)

Gene: FBN1 (fibrillin 1; minus strand). Cytogenetic location: 15q21.1.
Variant type: single nucleotide variant.
Coding change: c.2223C>G on transcript NM_000138.5 (MANE Select); coding-DNA position 2223, C replaced by G.
Protein change: p.Asn741Lys; replaces asparagine 741 with lysine.
Molecular consequence: missense variant.
Genome position (GRCh38, 1-based): chr15:48,497,336, G>C on the plus strand (C>G on the coding strand, the complement: FBN1 is on the minus strand). VCF-style: chr15-48497336-G-C. GRCh37 (hg19) VCF-style: chr15-48789533-G-C.
Other names: c.2223C>G, p.Asn741Lys (NM_001406716.1); short protein forms N741K.
Identifiers: ClinVar variation 3256597 (VCV003256597.1).
Genomic context (GRCh38, chr15:48,497,336, plus strand): 5'-TTTCCCAGTTGAATCCACTTCATATCCTGAATTGCATATACATTTATAGGTCCCACGAAG[G>C]TTTTCACAGATTCCATTTGGGCAAATATCAGGATCTAGTGCACATTCATTTATATCTGCA-3'
Protein context (NP_000129.3, residues 731-751): PDICPNGICE[Asn741Lys]LRGTYKCICN

ClinVar aggregate classification (germline): Likely pathogenic (1 of 4 stars; one submission).

Conditions:
Marfan syndrome (MFS). Also called: MARFAN SYNDROME, TYPE I; Marfan syndrome type 1; Marfan's syndrome; Marfan syndrome, classic; FBN1-Related Marfan Syndrome. Identifiers: Orphanet 284963, Orphanet 558, MedGen C0024796, MONDO:0007947, OMIM 154700.

Submission:

Laboratory of Medical Genetics, National & Kapodistrian University of Athens
Classification: Likely pathogenic for Marfan syndrome. Last evaluated: 2024-03-21. Review status: criteria provided, single submitter. Criteria: ACMG Guidelines, 2015. Collection method: clinical testing. Allele origin: de novo. Affected: yes.
Comment: PM1, PM2, PM5, PP3 - Variant absent from gnomAD. In silico prediction tools estimated that the variant could be damaging for the protein function/stracture. Higly relevant to the patient's phenotype.